The following is an entry in ClinVar:

ClinVar aggregate classification (germline): Likely benign. Review status: criteria provided, single submitter (1 of 4 stars). 2 submissions from 2 submitters: Likely benign (1). 1 of the submissions does not count toward it. Last evaluated 2023-05-24.

Conditions:
CACNA1D-related disorder.

Allele frequency attached by ClinVar (database versions not stated): gnomAD exomes below 0.00001; TOPMed 0.00001.
gnomAD v4.1: 5 of 1,614,138 alleles (0.00031%); highest among the groups gnomAD compares: Non-Finnish European, 0.00042%; no homozygotes.

Submissions (2):

Labcorp Genetics (formerly Invitae), Labcorp
Classification: Likely benign. Last evaluated: 2023-05-24. Review status: criteria provided, single submitter. Criteria: Invitae Variant Classification Sherloc (09022015). Collection method: clinical testing. Allele origin: germline.

PreventionGenetics, part of Exact Sciences
Classification: Likely benign for CACNA1D-related condition. Last evaluated: 2021-05-03. Review status: no assertion criteria provided. Collection method: clinical testing. Allele origin: germline. Not counted in ClinVar's aggregate classification.
Comment: This variant is classified as likely benign based on ACMG/AMP sequence variant interpretation guidelines (Richards et al. 2015 PMID: 25741868, with internal and published modifications).

NM_001128840.3(CACNA1D):c.5664A>G (p.Gln1888=)

Gene: CACNA1D (calcium voltage-gated channel subunit alpha1 D; plus strand). Cytogenetic location: 3p21.1.
Variant type: single nucleotide variant.
Coding change: c.5664A>G on transcript NM_001128840.3 (MANE Select); coding-DNA position 5664, A replaced by G.
Protein change: p.Gln1888=; no amino-acid change (glutamine 1888 retained).
Molecular consequence: synonymous variant.
Genome position (GRCh38, 1-based): chr3:53,805,061, A>G. VCF-style: chr3-53805061-A-G. GRCh37 (hg19) VCF-style: chr3-53839088-A-G.
Other names: c.5724A>G, p.Gln1908= (NM_000720.4); c.5592A>G, p.Gln1864= (NM_001128839.3); c.5724A>G (NM_000720.3).
Identifiers: ClinVar variation 1914966 (VCV001914966.7), dbSNP rs2095555198, ClinGen allele CA433805387.